The following is an entry in ClinVar:

NM_007294.4(BRCA1):c.5532C>G (p.Leu1844=)

Gene: BRCA1 (BRCA1 DNA repair associated; minus strand). Cytogenetic location: 17q21.31.
Variant type: single nucleotide variant.
Coding change: c.5532C>G on transcript NM_007294.4 (MANE Select); coding-DNA position 5532, C replaced by G.
Protein change: p.Leu1844=; no amino-acid change (leucine 1844 retained).
Molecular consequence: synonymous variant. On other transcripts: 3 prime UTR variant (17).
Genome position (GRCh38, 1-based): chr17:43,045,738, G>C on the plus strand (C>G on the coding strand, the complement: BRCA1 is on the minus strand). VCF-style: chr17-43045738-G-C. GRCh37 (hg19) VCF-style: chr17-41197755-G-C.
Other names: c.5319C>G, p.Leu1773= (NM_001407571.1, NM_001407894.1, NM_001407895.1 and 12 more transcripts); c.5598C>G, p.Leu1866= (NM_001407581.1, NM_001407582.1); c.5595C>G, p.Leu1865= (NM_001407583.1, NM_001407585.1, NM_001407587.1 and 1 more transcripts); c.5592C>G, p.Leu1864= (NM_001407590.1, NM_001407591.1); c.5532C>G, p.Leu1844= (NM_001407593.1, NM_001407594.1, NM_001407596.1 and 5 more transcripts); c.5529C>G, p.Leu1843= (NM_001407610.1, NM_001407611.1, NM_001407612.1 and 14 more transcripts); c.5526C>G, p.Leu1842= (NM_001407627.1, NM_001407628.1, NM_001407629.1 and 13 more transcripts); c.5523C>G, p.Leu1841= (NM_001407644.1, NM_001407645.1); and 74 more.
Identifiers: ClinVar variation 868629 (VCV000868629.3), dbSNP rs80356829, ClinGen allele CA500142891.

Conditions:
Breast-ovarian cancer, familial, susceptibility to, 1 (BROVCA1). Also called: BRCA1 Hereditary Breast and Ovarian Cancer; OVARIAN CANCER, SUSCEPTIBILITY TO. Identifiers: Orphanet 145, MedGen C2676676, MONDO:0011450, OMIM 604370. Disease mechanism: loss of function.

Submission:

Brotman Baty Institute, University of Washington
No classification provided (evidence only). Condition: Breast-ovarian cancer, familial 1. Review status: no classification provided. Collection method: in vitro. Allele origin: not applicable. Functional consequence: functionally_normal.
ClinVar note: "not provided" was previously submitted as the classification for the variant. However, the classification appeared to be based only on an observation of functional data so it was converted to no classification on 2025-07-30.